The following is an entry in ClinVar:

ClinVar aggregate classification (germline): Uncertain significance (1 of 4 stars; one submission).

Submission:

Labcorp Genetics (formerly Invitae), Labcorp
Classification: Uncertain significance. Last evaluated: 2025-05-04. Review status: criteria provided, single submitter. Criteria: Invitae Variant Classification Sherloc (09022015). Collection method: clinical testing. Allele origin: germline.
Comment: This sequence change creates a premature translational stop signal (p.Gln587*) in the GATAD2B gene. While this is not anticipated to result in nonsense mediated decay, it is expected to disrupt the last 7 amino acid(s) of the GATAD2B protein. This variant is not present in population databases (gnomAD no frequency). This variant has not been reported in the literature in individuals affected with GATAD2B-related conditions. Experimental studies and prediction algorithms are not available or were not evaluated, and the functional significance of this variant is currently unknown. In summary, the available evidence is currently insufficient to determine the role of this variant in disease. Therefore, it has been classified as a Variant of Uncertain Significance.

NM_020699.4(GATAD2B):c.1759C>T (p.Gln587Ter)

Gene: GATAD2B (GATA zinc finger domain containing 2B; minus strand). Cytogenetic location: 1q21.3.
Variant type: single nucleotide variant.
Coding change: c.1759C>T on transcript NM_020699.4 (MANE Select); coding-DNA position 1759, C replaced by T.
Protein change: p.Gln587Ter; replaces glutamine 587 with a stop codon.
Molecular consequence: nonsense.
Genome position (GRCh38, 1-based): chr1:153,810,200, G>A on the plus strand (C>T on the coding strand, the complement: GATAD2B is on the minus strand). VCF-style: chr1-153810200-G-A. GRCh37 (hg19) VCF-style: chr1-153782676-G-A.
Other names: short protein forms Q587*.
Identifiers: ClinVar variation 4718878 (VCV004718878.1).